The following is an entry in ClinVar:

ClinVar aggregate classification (germline): Likely pathogenic. Review status: criteria provided, multiple submitters, no conflicts (2 of 4 stars). 3 submissions from 3 submitters: Likely pathogenic (3). Last evaluated 2024-01-08.

Conditions:
Polycystic kidney disease, adult type (PKD1). Also called: Polycystic Kidney Disease 1, Autosomal Dominant; Polycystic kidney disease 1; Polycystic kidney disease 1, severe; POLYCYSTIC KIDNEY DISEASE, ADULT, TYPE I; Polycystic Kidney, Autosomal Dominant; POLYCYSTIC KIDNEY DISEASE 1 WITH OR WITHOUT POLYCYSTIC LIVER DISEASE. Identifiers: MedGen C3149841, MONDO:0008263, OMIM 173900.
PKD1-related disorder. Also called: PKD1-related condition.

Allele frequency attached by ClinVar (database versions not stated): gnomAD exomes below 0.00001.
gnomAD v4.1: 1 of 1,594,346 alleles (0.000063%); highest among the groups gnomAD compares: Non-Finnish European, 0.000085%; no homozygotes.

Submissions (3):

Fulgent Genetics
Classification: Likely pathogenic for Polycystic kidney disease, adult type. Last evaluated: 2024-01-08. Review status: criteria provided, single submitter. Criteria: ACMG Guidelines, 2015. Collection method: clinical testing. Allele origin: germline.

Department of Human Genetics, Hannover Medical School
Classification: Likely pathogenic for Polycystic kidney disease, adult type. Last evaluated: 2023-08-21. Review status: criteria provided, single submitter. Criteria: ACMG Guidelines, 2015. Collection method: clinical testing. Allele origin: germline. Inheritance: Autosomal dominant inheritance. Affected: yes.
Comment: ACMG: PVS1_strong, PM2

Blueprint Genetics
Classification: Likely pathogenic for PKD1-related disorders. Last evaluated: 2020-01-03. Review status: criteria provided, single submitter. Criteria: ACMG Guidelines, 2015. Collection method: clinical testing. Allele origin: germline. Affected: yes. Observed: 1 variant allele.

NM_001009944.3(PKD1):c.8016+1G>A

Gene: PKD1 (polycystin 1, transient receptor potential channel interacting; minus strand). Cytogenetic location: 16p13.3.
Variant type: single nucleotide variant.
Coding change: c.8016+1G>A on transcript NM_001009944.3 (MANE Select); the canonical splice donor site of the intron after coding-DNA position 8016, G replaced by A.
Molecular consequence: splice donor variant.
Genome position (GRCh38, 1-based): chr16:2,105,321, C>T on the plus strand (G>A on the coding strand, the complement: PKD1 is on the minus strand). VCF-style: chr16-2105321-C-T. GRCh37 (hg19) VCF-style: chr16-2155322-C-T.
Other names: c.8016+1G>A (NM_000296.4).
Identifiers: ClinVar variation 2577021 (VCV002577021.3), dbSNP rs2544768869, ClinGen allele CA394365788.
Genomic context (GRCh38, chr16:2,105,321, plus strand): 5'-GGGCTGAACCCAGTGCCCTGGCAGGCATGCGGGGCAGGGTGAGCAGGTGGGGCCATCCTA[C>T]CATGCACTGGGCCAGCGCAGCAGCGATCTGCTGGATGTCATCCACAGTGTGGACCCTCAG-3'